The following is an entry in ClinVar:

NM_004104.5(FASN):c.3302C>T (p.Ser1101Leu)

Gene: FASN (fatty acid synthase; minus strand). Cytogenetic location: 17q25.3.
Variant type: single nucleotide variant.
Coding change: c.3302C>T on transcript NM_004104.5 (MANE Select); coding-DNA position 3302, C replaced by T.
Protein change: p.Ser1101Leu; replaces serine 1101 with leucine.
Molecular consequence: missense variant.
Genome position (GRCh38, 1-based): chr17:82,087,175, G>A on the plus strand (C>T on the coding strand, the complement: FASN is on the minus strand). VCF-style: chr17-82087175-G-A. GRCh37 (hg19) VCF-style: chr17-80045051-G-A.
Other names: c.3302C>T (NM_004104.4); short protein forms S1101L.
Identifiers: ClinVar variation 1059422 (VCV001059422.18), dbSNP rs143739434, ClinGen allele CA8852434.

ClinVar aggregate classification (germline): Uncertain significance. Review status: criteria provided, multiple submitters, no conflicts (2 of 4 stars). 3 submissions from 3 submitters: Uncertain significance (3). Last evaluated 2025-10-22.

Conditions:
Epileptic encephalopathy. Identifiers: MedGen C0543888, HP:0200134.

Allele frequency attached by ClinVar (database versions not stated): gnomAD 0.00002 and 0.00003; ESP Exome Variant Server 0.00008; TOPMed 0.00003; ExAC 0.00006; 1000 Genomes Project 30x 0.00016; gnomAD exomes 0.00004.
gnomAD v4.1: 72 of 1,608,974 alleles (0.0045%); highest among the groups gnomAD compares: South Asian, 0.018%; no homozygotes.

Submissions (3):

Ambry Genetics
Classification: Uncertain significance. Last evaluated: 2025-10-22. Review status: criteria provided, single submitter. Criteria: Ambry Variant Classification Scheme 2023. Collection method: clinical testing. Allele origin: germline.

Labcorp Genetics (formerly Invitae), Labcorp
Classification: Uncertain significance for Epileptic encephalopathy. Last evaluated: 2025-06-18. Review status: criteria provided, single submitter. Criteria: Invitae Variant Classification Sherloc (09022015). Collection method: clinical testing. Allele origin: germline.
Comment: This sequence change replaces serine, which is neutral and polar, with leucine, which is neutral and non-polar, at codon 1101 of the FASN protein (p.Ser1101Leu). This variant is present in population databases (rs143739434, gnomAD 0.01%). This variant has not been reported in the literature in individuals affected with FASN-related conditions. ClinVar contains an entry for this variant (Variation ID: 1059422). An algorithm developed to predict the effect of missense changes on protein structure and function outputs the following: PolyPhen-2: "Benign". The leucine amino acid residue is found in multiple mammalian species, which suggests that this missense change does not adversely affect protein function. In summary, the available evidence is currently insufficient to determine the role of this variant in disease. Therefore, it has been classified as a Variant of Uncertain Significance.

ARUP Laboratories, Molecular Genetics and Genomics, ARUP Laboratories
Classification: Uncertain significance. Last evaluated: 2021-09-08. Review status: criteria provided, single submitter. Criteria: ARUP Molecular Germline Variant Investigation Process 2021. Collection method: clinical testing. Allele origin: germline.